The following is an entry in ClinVar:

NM_014855.3(AP5Z1):c.1773C>T (p.Tyr591=)

Gene: AP5Z1 (adaptor related protein complex 5 subunit zeta 1; plus strand). Cytogenetic location: 7p22.1.
Variant type: single nucleotide variant.
Coding change: c.1773C>T on transcript NM_014855.3 (MANE Select); coding-DNA position 1773, C replaced by T.
Protein change: p.Tyr591=; no amino-acid change (tyrosine 591 retained).
Molecular consequence: synonymous variant. On other transcripts: non-coding transcript variant (1).
Genome position (GRCh38, 1-based): chr7:4,789,897, C>T. VCF-style: chr7-4789897-C-T. GRCh37 (hg19) VCF-style: chr7-4829528-C-T.
Other names: p.Tyr591=; c.1305C>T, p.Tyr435= (NM_001364858.1); c.1773C>T, p.Tyr591= (LRG_1247t1).
Identifiers: ClinVar variation 478581 (VCV000478581.48), dbSNP rs372922535, ClinGen allele CA4138019.
Genomic context (GRCh38, chr7:4,789,897, plus strand): 5'-TGACGGGTCCCTGATCAACCAGCTGGCGCTGCTGCTCCTGGGCAGGAGCGACTCGCTCTA[C>T]CCGGCCCCAGGGTACGCTGCCGGTGTGCACAGGTAGGTCCCTCCTGCGCTCCTGCCACAG-3'
Protein context (NP_055670.1, residues 581-601): LLLLGRSDSL[Tyr591=]PAPGYAAGVH

ClinVar aggregate classification (germline): Conflicting classifications of pathogenicity. Review status: criteria provided, conflicting classifications (1 of 4 stars). 6 submissions from 6 submitters: Uncertain significance (2); Likely benign (4). Last evaluated 2026-08-01.

Conditions:
Hereditary spastic paraplegia 48. Also called: SPASTIC PARAPLEGIA 48, AUTOSOMAL RECESSIVE; Spastic paraplegia 48. Identifiers: Orphanet 306511, MedGen C3150901, MONDO:0013342, OMIM 613647.
Hereditary spastic paraplegia. Also called: Familial spastic paraparesis. Identifiers: Orphanet 685, MedGen C0037773, MONDO:0019064. Disease mechanism: loss of function.

Allele frequency attached by ClinVar (database versions not stated): 1000 Genomes Project 30x 0.00031; gnomAD exomes 0.00038 and 0.00075; 1000 Genomes Project 0.00060; TOPMed 0.00067; gnomAD 0.00072 and 0.00073; ExAC 0.00110.
gnomAD v4.1: 670 of 1,550,942 alleles (0.043%); highest among the groups gnomAD compares: Middle Eastern, 0.54%; 3 homozygotes.

Submissions (6):

CeGaT Center for Human Genetics Tuebingen
Classification: Likely benign. Last evaluated: 2026-08-01. Review status: criteria provided, single submitter. Criteria: CeGaT Center For Human Genetics Tuebingen Variant Classification Criteria Version 2. Collection method: clinical testing. Allele origin: germline. Affected: yes. Observed: 4 variant alleles.
Comment: AP5Z1: BP4, BP7

Labcorp Genetics (formerly Invitae), Labcorp
Classification: Likely benign for Hereditary spastic paraplegia 48. Last evaluated: 2026-01-02. Review status: criteria provided, single submitter. Criteria: Invitae Variant Classification Sherloc (09022015). Collection method: clinical testing. Allele origin: germline.

Mayo Clinic Laboratories, Mayo Clinic
Classification: Likely benign. Last evaluated: 2025-08-14. Review status: criteria provided, single submitter. Criteria: ACMG Guidelines, 2015. Collection method: clinical testing. Allele origin: germline. Observed: 2 variant alleles.
Comment: BS1, BP4, BP7

Blueprint Genetics
Classification: Likely benign. Last evaluated: 2024-10-21. Review status: criteria provided, single submitter. Criteria: ACMG Guidelines, 2015. Collection method: clinical testing. Allele origin: germline.

Illumina Laboratory Services, Illumina
Classification: Uncertain significance for Hereditary spastic paraplegia 48. Last evaluated: 2018-01-13. Review status: criteria provided, single submitter. Criteria: ICSL Variant Classification Criteria 13 December 2019. Collection method: clinical testing. Allele origin: germline.

Genome Diagnostics Laboratory, The Hospital for Sick Children
Classification: Uncertain significance for Hereditary spastic paraplegia. Last evaluated: 2017-10-02. Review status: criteria provided, single submitter. Criteria: ACMG Guidelines, 2015. Collection method: clinical testing. Allele origin: germline. Affected: yes.